The following is an entry in ClinVar:

NM_015213.4(DENND5A):c.257A>G (p.Glu86Gly)

Gene: DENND5A (DENN domain containing 5A; minus strand). Cytogenetic location: 11p15.4.
Variant type: single nucleotide variant.
Coding change: c.257A>G on transcript NM_015213.4 (MANE Select); coding-DNA position 257, A replaced by G.
Protein change: p.Glu86Gly; replaces glutamic acid 86 with glycine.
Molecular consequence: missense variant. On other transcripts: 5 prime UTR variant (1), non-coding transcript variant (1).
Genome position (GRCh38, 1-based): chr11:9,206,707, T>C on the plus strand (A>G on the coding strand, the complement: DENND5A is on the minus strand). VCF-style: chr11-9206707-T-C. GRCh37 (hg19) VCF-style: chr11-9228254-T-C.
Other names: c.257A>G, p.Glu86Gly (NM_001243254.2, NM_001348748.1); c.185A>G, p.Glu62Gly (NM_001348749.2); c.-32A>G (NM_001348750.2); c.257A>G (NM_015213.3); short protein forms E62G, E86G.
Identifiers: ClinVar variation 2048243 (VCV002048243.2), dbSNP rs1287518966, ClinGen allele CA379602505.

ClinVar aggregate classification (germline): Uncertain significance. Review status: criteria provided, multiple submitters, no conflicts (2 of 4 stars). 2 submissions from 2 submitters: Uncertain significance (2). Last evaluated 2025-05-05.

Conditions:
Inborn genetic diseases. Identifiers: MedGen C0950123, MeSH D030342.

Allele frequency attached by ClinVar (database versions not stated): gnomAD exomes below 0.00001.
gnomAD v4.1: 2 of 1,613,864 alleles (0.00012%); highest among the groups gnomAD compares: Non-Finnish European, 0.00017%; no homozygotes.

Submissions (2):

Ambry Genetics
Classification: Uncertain significance for Inborn genetic diseases. Last evaluated: 2025-05-05. Review status: criteria provided, single submitter. Criteria: Ambry Variant Classification Scheme 2023. Collection method: clinical testing. Allele origin: germline.

Labcorp Genetics (formerly Invitae), Labcorp
Classification: Uncertain significance. Last evaluated: 2022-02-05. Review status: criteria provided, single submitter. Criteria: Invitae Variant Classification Sherloc (09022015). Collection method: clinical testing. Allele origin: germline.
Comment: This sequence change replaces glutamic acid, which is acidic and polar, with glycine, which is neutral and non-polar, at codon 86 of the DENND5A protein (p.Glu86Gly). This variant is present in population databases (no rsID available, gnomAD 0.0009%). This variant has not been reported in the literature in individuals affected with DENND5A-related conditions. Algorithms developed to predict the effect of missense changes on protein structure and function (SIFT, PolyPhen-2, Align-GVGD) all suggest that this variant is likely to be tolerated. In summary, the available evidence is currently insufficient to determine the role of this variant in disease. Therefore, it has been classified as a Variant of Uncertain Significance.